The following is an entry in ClinVar:

NM_004448.4(ERBB2):c.3405_3412+42delinsAG

Gene: ERBB2 (erb-b2 receptor tyrosine kinase 2; plus strand). Cytogenetic location: 17q12.
Variant type: Indel.
Coding change: c.3405_3412+42delinsAG on transcript NM_004448.4 (MANE Select); coding-DNA position 3405 through 42 bases into the intron after coding-DNA position 3412, the reference bases replaced by AG.
Molecular consequence: splice donor variant. On other transcripts: intron variant (2).
Genome position (GRCh38, 1-based): chr17:39,727,540-39,727,589, 50 bases replaced. GRCh37 (hg19): chr17:37,883,793-37,883,842.
Other names: c.3315_3322+42delinsAG (NM_001382782.1, NM_001005862.3, NM_001382783.1); c.3360_3367+42delinsAG (NM_001289936.2); c.3480_3487+42delinsAG (NM_001382787.1); c.3522_3529+42delinsAG (NM_001382784.1); c.3486_3493+42delinsAG (NM_001382786.1); c.3426_3433+42delinsAG (NM_001382789.1); c.3435_3442+42delinsAG (NM_001382788.1); c.3507_3514+42delinsAG (NM_001382785.1); and 17 more.
Identifiers: ClinVar variation 1976029 (VCV001976029.5), dbSNP rs2544561965, ClinGen allele CA2580093661.

ClinVar aggregate classification (germline): Uncertain significance (1 of 4 stars; one submission).

Submission:

Labcorp Genetics (formerly Invitae), Labcorp
Classification: Uncertain significance. Last evaluated: 2021-11-19. Review status: criteria provided, single submitter. Criteria: Invitae Variant Classification Sherloc (09022015). Collection method: clinical testing. Allele origin: germline.
Comment: In summary, the available evidence is currently insufficient to determine the role of this variant in disease. Therefore, it has been classified as a Variant of Uncertain Significance. Variants that disrupt the consensus splice site are a relatively common cause of aberrant splicing (PMID: 17576681, 9536098). Algorithms developed to predict the effect of sequence changes on RNA splicing suggest that this variant may disrupt the consensus splice site. This variant has not been reported in the literature in individuals affected with ERBB2-related conditions. This variant is not present in population databases (gnomAD no frequency). This variant results in the deletion of part of exon 26 (c.3407_3412+42del) of the ERBB2 gene. It affects a nucleotide within the consensus splice site.

Literature cited by the submitters: PubMed 17576681; PubMed 9536098.